The following is an entry in ClinVar:

ClinVar aggregate classification (germline): Uncertain significance (1 of 4 stars; one submission).

Conditions:
Hypertrophic cardiomyopathy 2. Also called: TNNT2-Related Familial Hypertrophic Cardiomyopathy. Identifiers: MedGen C1861864, MONDO:0007266, OMIM 115195.
Cardiomyopathy, familial restrictive, 3. Identifiers: Orphanet 75249, MedGen C2676271, MONDO:0012900, OMIM 612422.
Dilated cardiomyopathy 1D. Identifiers: Orphanet 154, Orphanet 54260, MedGen C1832243, MONDO:0011095, OMIM 601494.

Submission:

Labcorp Genetics (formerly Invitae), Labcorp
Classification: Uncertain significance for Cardiomyopathy, familial restrictive, 3; Hypertrophic cardiomyopathy 2; Dilated cardiomyopathy 1D. Last evaluated: 2025-10-10. Review status: criteria provided, single submitter. Criteria: Invitae Variant Classification Sherloc (09022015). Collection method: clinical testing. Allele origin: germline.
Comment: This sequence change affects an acceptor splice site in intron 13 of the TNNT2 gene. It is expected to disrupt RNA splicing. Variants that disrupt the donor or acceptor splice site typically lead to a loss of protein function (PMID: 16199547), however the current clinical and genetic evidence is not sufficient to establish whether loss-of-function variants in TNNT2 cause disease. This variant is not present in population databases (gnomAD no frequency). This variant has not been reported in the literature in individuals affected with TNNT2-related conditions. ClinVar contains an entry for this variant (Variation ID: 3748052). Algorithms developed to predict the effect of sequence changes on RNA splicing suggest that this variant may disrupt the consensus splice site. In summary, the available evidence is currently insufficient to determine the role of this variant in disease. Therefore, it has been classified as a Variant of Uncertain Significance.

Literature cited by the submitters: PubMed 16199547.

NM_001276345.2(TNNT2):c.720-1G>A

Gene: TNNT2 (troponin T2, cardiac type; minus strand). Cytogenetic location: 1q32.1.
Variant type: single nucleotide variant.
Coding change: c.720-1G>A on transcript NM_001276345.2 (MANE Select); the canonical splice acceptor site of the intron before coding-DNA position 720, G replaced by A.
Molecular consequence: splice acceptor variant.
Genome position (GRCh38, 1-based): chr1:201,361,370, C>T on the plus strand (G>A on the coding strand, the complement: TNNT2 is on the minus strand). VCF-style: chr1-201361370-C-T. GRCh37 (hg19) VCF-style: chr1-201330498-C-T.
Other names: c.681-1G>A (NM_001406727.1, NM_001001431.3, NM_001406726.1); c.690-1G>A (NM_001406724.1, NM_001001430.3, NM_001276347.2); c.672-1G>A (NM_001001432.3); c.675-1G>A (NM_001406728.1); c.687-1G>A (NM_001406725.1); c.591-1G>A (NM_001276346.2); c.711-1G>A (NM_000364.4, NM_001406723.1).
Identifiers: ClinVar variation 3748052 (VCV003748052.2).